The following is an entry in ClinVar:

NM_006648.4(WNK2):c.5180G>A (p.Gly1727Glu)

Gene: WNK2 (WNK lysine deficient protein kinase 2; plus strand). Cytogenetic location: 9q22.31.
Variant type: single nucleotide variant.
Coding change: c.5180G>A on transcript NM_006648.4 (MANE Select); coding-DNA position 5180, G replaced by A.
Protein change: p.Gly1727Glu; replaces glycine 1727 with glutamic acid.
Molecular consequence: missense variant.
Genome position (GRCh38, 1-based): chr9:93,292,645, G>A. VCF-style: chr9-93292645-G-A. GRCh37 (hg19) VCF-style: chr9-96054927-G-A.
Other names: c.5291G>A, p.Gly1764Glu (NM_001282394.3); short protein forms G1727E, G1764E.
Identifiers: ClinVar variation 3816775 (VCV003816775.1).

ClinVar aggregate classification (germline): Uncertain significance (1 of 4 stars; one submission).

gnomAD v4.1: 1 of 1,582,028 alleles (0.000063%); highest among the groups gnomAD compares: Non-Finnish European, 0.000086%; no homozygotes.

Submission:

Ambry Genetics
Classification: Uncertain significance. Last evaluated: 2025-01-08. Review status: criteria provided, single submitter. Criteria: Ambry Variant Classification Scheme 2023. Collection method: clinical testing. Allele origin: germline.
Comment: The p.G1727E variant (also known as c.5180G>A), located in coding exon 22 of the WNK2 gene, results from a G to A substitution at nucleotide position 5180. The glycine at codon 1727 is replaced by glutamic acid, an amino acid with similar properties. This amino acid position is conserved. In addition, this alteration is predicted to be tolerated by in silico analysis. Based on the available evidence, the clinical significance of this variant remains unclear.